The following is an entry in ClinVar:

NM_001206927.2(DNAH8):c.5603T>G (p.Val1868Gly)

Gene: DNAH8 (dynein axonemal heavy chain 8; plus strand). Cytogenetic location: 6p21.2.
Variant type: single nucleotide variant.
Coding change: c.5603T>G on transcript NM_001206927.2 (MANE Select); coding-DNA position 5603, T replaced by G.
Protein change: p.Val1868Gly; replaces valine 1868 with glycine.
Molecular consequence: missense variant.
Genome position (GRCh38, 1-based): chr6:38,853,217, T>G. VCF-style: chr6-38853217-T-G. GRCh37 (hg19) VCF-style: chr6-38820993-T-G.
Other names: c.4952T>G, p.Val1651Gly (NM_001371.4); short protein forms V1651G, V1868G.
Identifiers: ClinVar variation 968004 (VCV000968004.7), dbSNP rs201264105, ClinGen allele CA3789437.

ClinVar aggregate classification (germline): Uncertain significance. Review status: criteria provided, multiple submitters, no conflicts (2 of 4 stars). 2 submissions from 2 submitters: Uncertain significance (2). Last evaluated 2025-01-28.

Conditions:
DNAH8-related disorder. Also called: DNAH8-related condition.
Primary ciliary dyskinesia. Also called: Ciliary dyskinesia. Identifiers: Orphanet 244, MedGen C0008780, MONDO:0016575, HP:0012265.

Allele frequency attached by ClinVar (database versions not stated): ESP Exome Variant Server 0.00008; TOPMed 0.00009; gnomAD 0.00011 and 0.00012; ExAC 0.00017; gnomAD exomes 0.00018 and 0.00025.
gnomAD v4.1: 374 of 1,611,794 alleles (0.023%); highest among the groups gnomAD compares: Non-Finnish European, 0.031%; no homozygotes.

Submissions (2):

PreventionGenetics, part of Exact Sciences
Classification: Uncertain significance for DNAH8-related condition. Last evaluated: 2025-01-28. Review status: criteria provided, single submitter. Criteria: ACMG Guidelines, 2015. Collection method: clinical testing. Allele origin: germline.
Comment: The DNAH8 c.5603T>G variant is predicted to result in the amino acid substitution p.Val1868Gly. To our knowledge, this variant has not been reported in the literature. This variant is reported in 0.034% of alleles in individuals of European (Non-Finnish) descent in gnomAD. At this time, the clinical significance of this variant is uncertain due to the absence of conclusive functional and genetic evidence.

Labcorp Genetics (formerly Invitae), Labcorp
Classification: Uncertain significance for Primary ciliary dyskinesia. Last evaluated: 2022-08-08. Review status: criteria provided, single submitter. Criteria: Invitae Variant Classification Sherloc (09022015). Collection method: clinical testing. Allele origin: germline.
Comment: This sequence change replaces valine, which is neutral and non-polar, with glycine, which is neutral and non-polar, at codon 1868 of the DNAH8 protein (p.Val1868Gly). This variant is present in population databases (rs201264105, gnomAD 0.03%). This variant has not been reported in the literature in individuals affected with DNAH8-related conditions. ClinVar contains an entry for this variant (Variation ID: 968004). Algorithms developed to predict the effect of missense changes on protein structure and function are either unavailable or do not agree on the potential impact of this missense change (SIFT: "Deleterious"; PolyPhen-2: "Not Available"; Align-GVGD: "Class C0"). Algorithms developed to predict the effect of sequence changes on RNA splicing suggest that this variant may disrupt the consensus splice site. In summary, the available evidence is currently insufficient to determine the role of this variant in disease. Therefore, it has been classified as a Variant of Uncertain Significance.